The following is an entry in ClinVar:

ClinVar aggregate classification (germline): Uncertain significance (1 of 4 stars; one submission).

Submission:

Labcorp Genetics (formerly Invitae), Labcorp
Classification: Uncertain significance. Last evaluated: 2024-08-15. Review status: criteria provided, single submitter. Criteria: Invitae Variant Classification Sherloc (09022015). Collection method: clinical testing. Allele origin: germline.
Comment: This sequence change replaces valine, which is neutral and non-polar, with glycine, which is neutral and non-polar, at codon 858 of the SLC12A2 protein (p.Val858Gly). This variant is not present in population databases (gnomAD no frequency). This variant has not been reported in the literature in individuals affected with SLC12A2-related conditions. Invitae Evidence Modeling of protein sequence and biophysical properties (such as structural, functional, and spatial information, amino acid conservation, physicochemical variation, residue mobility, and thermodynamic stability) indicates that this missense variant is not expected to disrupt SLC12A2 protein function with a negative predictive value of 80%. In summary, the available evidence is currently insufficient to determine the role of this variant in disease. Therefore, it has been classified as a Variant of Uncertain Significance.

NM_001046.3(SLC12A2):c.2573T>G (p.Val858Gly)

Gene: SLC12A2 (solute carrier family 12 member 2; plus strand). Cytogenetic location: 5q23.3.
Variant type: single nucleotide variant.
Coding change: c.2573T>G on transcript NM_001046.3 (MANE Select); coding-DNA position 2573, T replaced by G.
Protein change: p.Val858Gly; replaces valine 858 with glycine.
Molecular consequence: missense variant. On other transcripts: non-coding transcript variant (1).
Genome position (GRCh38, 1-based): chr5:128,161,757, T>G. VCF-style: chr5-128161757-T-G. GRCh37 (hg19) VCF-style: chr5-127497449-T-G.
Other names: c.2573T>G, p.Val858Gly (NM_001256461.2); short protein forms V858G.
Identifiers: ClinVar variation 3637356 (VCV003637356.2).